The following is an entry in ClinVar:

NM_005633.4(SOS1):c.3778C>T (p.Pro1260Ser)

Gene: SOS1 (SOS Ras/Rac guanine nucleotide exchange factor 1; minus strand). Cytogenetic location: 2p22.1.
Variant type: single nucleotide variant.
Coding change: c.3778C>T on transcript NM_005633.4 (MANE Select); coding-DNA position 3778, C replaced by T.
Protein change: p.Pro1260Ser; replaces proline 1260 with serine.
Molecular consequence: missense variant.
Genome position (GRCh38, 1-based): chr2:38,986,048, G>A on the plus strand (C>T on the coding strand, the complement: SOS1 is on the minus strand). VCF-style: chr2-38986048-G-A. GRCh37 (hg19) VCF-style: chr2-39213189-G-A.
Other names: c.3757C>T, p.Pro1253Ser (NM_001382394.1); c.3733C>T, p.Pro1245Ser (NM_001382395.1); short protein forms P1245S, P1253S, P1260S.
Identifiers: ClinVar variation 3368915 (VCV003368915.2).

ClinVar aggregate classification (germline): Uncertain significance (1 of 4 stars; one submission).

Submission:

GeneDx
Classification: Uncertain significance. Last evaluated: 2026-05-23. Review status: criteria provided, single submitter. Criteria: GeneDx Variant Classification Process June 2021. Collection method: clinical testing. Allele origin: germline.
Comment: Not observed at significant frequency in large population cohorts (gnomAD); Missense variants in this gene are a common cause of disease and they are underrepresented in the general population; In silico analysis supports that this missense variant does not alter protein structure/function; Has not been previously published as pathogenic or benign to our knowledge; This variant is associated with the following publications: (PMID: 29493581)